The following is an entry in ClinVar:

NM_001130009.3(GEN1):c.2108T>G (p.Val703Gly)

Gene: GEN1 (GEN1 Holliday junction 5' flap endonuclease; plus strand). Cytogenetic location: 2p24.2.
Variant type: single nucleotide variant.
Coding change: c.2108T>G on transcript NM_001130009.3 (MANE Select); coding-DNA position 2108, T replaced by G.
Protein change: p.Val703Gly; replaces valine 703 with glycine.
Molecular consequence: missense variant.
Genome position (GRCh38, 1-based): chr2:17,781,320, T>G. VCF-style: chr2-17781320-T-G. GRCh37 (hg19) VCF-style: chr2-17962587-T-G.
Other names: c.2108T>G, p.Val703Gly (NM_182625.5); short protein forms V703G.
Identifiers: ClinVar variation 3853550 (VCV003853550.1).

ClinVar aggregate classification (germline): Uncertain significance (1 of 4 stars; one submission).

Submission:

Ambry Genetics
Classification: Uncertain significance. Last evaluated: 2025-02-05. Review status: criteria provided, single submitter. Criteria: Ambry Variant Classification Scheme 2023. Collection method: clinical testing. Allele origin: germline.
Comment: The p.V703G variant (also known as c.2108T>G), located in coding exon 13 of the GEN1 gene, results from a T to G substitution at nucleotide position 2108. The valine at codon 703 is replaced by glycine, an amino acid with dissimilar properties. This amino acid position is conserved. In addition, this alteration is predicted to be tolerated by in silico analysis. Based on the available evidence, the clinical significance of this variant remains unclear.